The following is an entry in ClinVar:

ClinVar aggregate classification (germline): Pathogenic (1 of 4 stars; one submission).

Conditions:
Neurofibromatosis, type 2 (SWNV). Also called: BILATERAL ACOUSTIC NEUROFIBROMATOSIS; NF2-Related Schwannomatosis; SCHWANNOMATOSIS, VESTIBULAR. Identifiers: Orphanet 637, MedGen C0027832, MONDO:0007039, OMIM 101000. Disease mechanism: loss of function.

Submission:

Labcorp Genetics (formerly Invitae), Labcorp
Classification: Pathogenic for Neurofibromatosis, type 2. Last evaluated: 2024-06-05. Review status: criteria provided, single submitter. Criteria: Invitae Variant Classification Sherloc (09022015). Collection method: clinical testing. Allele origin: germline.
Comment: This sequence change affects a donor splice site in intron 11 of the NF2 gene. It is expected to disrupt RNA splicing. Variants that disrupt the donor or acceptor splice site typically lead to a loss of protein function (PMID: 16199547), and loss-of-function variants in NF2 are known to be pathogenic (PMID: 9643284, 16983642). This variant is not present in population databases (gnomAD no frequency). Disruption of this splice site has been observed in individuals with Neurofibromatosis, type 2 (PMID: 8755919, 30250447). Algorithms developed to predict the effect of sequence changes on RNA splicing suggest that this variant may disrupt the consensus splice site. For these reasons, this variant has been classified as Pathogenic.

Literature cited by the submitters: PubMed 16199547; PubMed 9643284; PubMed 16983642; PubMed 8755919; PubMed 30250447.

NM_000268.4(NF2):c.1122+1G>T

Gene: NF2 (NF2, moesin-ezrin-radixin like (MERLIN) tumor suppressor; plus strand). Cytogenetic location: 22q12.2.
Variant type: single nucleotide variant.
Coding change: c.1122+1G>T on transcript NM_000268.4 (MANE Select); the canonical splice donor site of the intron after coding-DNA position 1122, G replaced by T.
Molecular consequence: splice donor variant. On other transcripts: intron variant (1).
Genome position (GRCh38, 1-based): chr22:29,671,949, G>T. VCF-style: chr22-29671949-G-T. GRCh37 (hg19) VCF-style: chr22-30067938-G-T.
Other names: c.1122+1G>T (NM_016418.5, NM_181832.3, NM_001407060.1 and 2 more transcripts); c.1008+1G>T (NM_001407056.1, NM_001407053.1); c.891+1G>T (NM_001407067.1); c.588+1G>T (NM_001407065.1); c.987+1G>T (NM_001407059.1, NM_001407057.1); c.448-22803G>T (NM_181833.3); c.999+1G>T (NM_001407058.1, NM_181829.3, NM_001407054.1); c.864+1G>T (NM_001407062.1); and 2 more.
Identifiers: ClinVar variation 3723957 (VCV003723957.2).